The following is an entry in ClinVar:

ClinVar aggregate classification (germline): Likely benign (0 of 4 stars; one submission).

Conditions:
ARHGEF28-related disorder. Also called: ARHGEF28-related condition.

Allele frequency attached by ClinVar (database versions not stated): 1000 Genomes Project 30x 0.00031; 1000 Genomes Project 0.00040; gnomAD 0.00048; TOPMed 0.00051; ExAC 0.00053; gnomAD exomes 0.00058; ESP Exome Variant Server 0.00075.
gnomAD v4.1: 902 of 1,589,262 alleles (0.057%); highest among the groups gnomAD compares: Non-Finnish European, 0.071%; 2 homozygotes.

Submission:

PreventionGenetics, part of Exact Sciences
Classification: Likely benign for ARHGEF28-related condition. Last evaluated: 2020-02-20. Review status: no assertion criteria provided. Collection method: clinical testing. Allele origin: germline.
Comment: This variant is classified as likely benign based on ACMG/AMP sequence variant interpretation guidelines (Richards et al. 2015 PMID: 25741868, with internal and published modifications).

NM_001177693.2(ARHGEF28):c.2406A>G (p.Thr802=)

Gene: ARHGEF28 (Rho guanine nucleotide exchange factor 28; plus strand). Cytogenetic location: 5q13.2.
Variant type: single nucleotide variant.
Coding change: c.2406A>G on transcript NM_001177693.2 (MANE Select); coding-DNA position 2406, A replaced by G.
Protein change: p.Thr802=; no amino-acid change (threonine 802 retained).
Molecular consequence: synonymous variant.
Genome position (GRCh38, 1-based): chr5:73,868,208, A>G. VCF-style: chr5-73868208-A-G. GRCh37 (hg19) VCF-style: chr5-73164033-A-G.
Other names: c.2406A>G, p.Thr802= (NM_001080479.3, NM_001388078.1); c.1467A>G, p.Thr489= (NM_001244364.2); c.2112A>G, p.Thr704= (NM_001388076.1).
Identifiers: ClinVar variation 3051735 (VCV003051735.2), dbSNP rs200608115, ClinGen allele CA3304854.
Genomic context (GRCh38, chr5:73,868,208, plus strand): 5'-CTGCAGAAGCAGGTCTCATTCTGATGAGCTGCTACAGTCCATGGGCTCTTCTCCCTCTAC[A>G]GAGTCTTTCATAATGGAAGGTGAGGAGAAGACACACTTCCATTTATTTGTGTTTTTGTTA-3'
Protein context (NP_001171164.1, residues 792-812): LLQSMGSSPS[Thr802=]ESFIMEDVVD